The following is an entry in ClinVar:

ClinVar aggregate classification (germline): Uncertain significance (1 of 4 stars; one submission).

Conditions:
Inborn genetic diseases. Identifiers: MedGen C0950123, MeSH D030342.

gnomAD v4.1: 10 of 1,614,162 alleles (0.00062%); highest among the groups gnomAD compares: Non-Finnish European, 0.00085%; no homozygotes.

Submission:

Ambry Genetics
Classification: Uncertain significance for Inborn genetic diseases. Last evaluated: 2026-05-08. Review status: criteria provided, single submitter. Criteria: Ambry Variant Classification Scheme 2023. Collection method: clinical testing. Allele origin: germline.
Comment: The c.5095C>T (p.R1699W) alteration is located in exon 34 (coding exon 34) of the TRIO gene. This alteration results from a C to T substitution at nucleotide position 5095, causing the arginine (R) at amino acid position 1699 to be replaced by a tryptophan (W). Based on data from gnomAD, the T allele has an overall frequency of <0.001% (1/250924) total alleles studied. The highest observed frequency was 0.003% (1/30584) of South Asian alleles. Based on insufficient or conflicting evidence, the clinical significance of this alteration remains unclear.

NM_007118.4(TRIO):c.5095C>T (p.Arg1699Trp)

Gene: TRIO (trio Rho guanine nucleotide exchange factor; plus strand). Cytogenetic location: 5p15.2.
Variant type: single nucleotide variant.
Coding change: c.5095C>T on transcript NM_007118.4 (MANE Select); coding-DNA position 5095, C replaced by T.
Protein change: p.Arg1699Trp; replaces arginine 1699 with tryptophan.
Molecular consequence: missense variant. On other transcripts: non-coding transcript variant (1).
Genome position (GRCh38, 1-based): chr5:14,419,913, C>T. VCF-style: chr5-14419913-C-T. GRCh37 (hg19) VCF-style: chr5-14420022-C-T.
Other names: short protein forms R1699W.
Identifiers: ClinVar variation 4865927 (VCV004865927.1).
Genomic context (GRCh38, chr5:14,419,913, plus strand): 5'-CGGGGCCAGACCGTGGAAGTTCTGGAGCGGCCGCATGACAAGCCTGACTGGTGTCTGGTG[C>T]GGACAACTGACCGCTCCCCAGCGGCAGAAGGCCTGGTCCCCTGTGGTTCACTGTGCATCG-3'
Protein context (NP_009049.2, residues 1689-1709): PHDKPDWCLV[Arg1699Trp]TTDRSPAAEG